The following is an entry in ClinVar:

NM_001040142.2(SCN2A):c.4095T>C (p.His1365=)

Gene: SCN2A (sodium voltage-gated channel alpha subunit 2; plus strand). Cytogenetic location: 2q24.3.
Variant type: single nucleotide variant.
Coding change: c.4095T>C on transcript NM_001040142.2 (MANE Select); coding-DNA position 4095, T replaced by C.
Protein change: p.His1365=; no amino-acid change (histidine 1365 retained).
Molecular consequence: synonymous variant.
Genome position (GRCh38, 1-based): chr2:165,374,807, T>C. VCF-style: chr2-165374807-T-C. GRCh37 (hg19) VCF-style: chr2-166231317-T-C.
Other names: c.4095T>C, p.His1365= (NM_001040143.2, NM_001371246.1, NM_001371247.1 and 1 more transcripts).
Identifiers: ClinVar variation 1694975 (VCV001694975.31), dbSNP rs2105373121, ClinGen allele CA429886705.

ClinVar aggregate classification (germline): Likely benign (1 of 4 stars; one submission).

gnomAD v4.1: 7 of 1,613,606 alleles (0.00043%); highest among the groups gnomAD compares: Non-Finnish European, 0.00059%; no homozygotes.

Submission:

CeGaT Center for Human Genetics Tuebingen
Classification: Likely benign. Last evaluated: 2022-05-01. Review status: criteria provided, single submitter. Criteria: CeGaT Center For Human Genetics Tuebingen Variant Classification Criteria Version 2. Collection method: clinical testing. Allele origin: germline. Affected: yes. Observed: 1 variant allele.
Comment: SCN2A: PM2:Supporting, BP4, BP7